The following is an entry in ClinVar:

ClinVar aggregate classification (germline): Conflicting classifications of pathogenicity. Review status: criteria provided, conflicting classifications (1 of 4 stars). 2 submissions from 2 submitters: Likely pathogenic (1); Uncertain significance (1). Last evaluated 2022-11-17.

Conditions:
Familial adenomatous polyposis 1 (FAP1). Also called: POLYPOSIS, ADENOMATOUS INTESTINAL; FAMILIAL ADENOMATOUS POLYPOSIS 1, ATTENUATED. Identifiers: MedGen C2713442, MONDO:0021056, OMIM 175100. Disease mechanism: loss of function.
Hereditary cancer-predisposing syndrome. Also called: Neoplastic Syndromes, Hereditary; Hereditary Cancer Syndrome; Tumor predisposition; Hereditary neoplastic syndrome. Identifiers: Orphanet 140162, MedGen C0027672, MeSH D009386, MONDO:0015356.

Submissions (2):

Ambry Genetics
Classification: Likely pathogenic for Hereditary cancer-predisposing syndrome. Last evaluated: 2022-11-17. Review status: criteria provided, single submitter. Criteria: Ambry Variant Classification Scheme 2023. Collection method: clinical testing. Allele origin: germline.
Comment: The c.1627-3C>A intronic variant results from a C to A substitution 3 nucleotides upstream from coding exon 13 in the APC gene. This alteration has been observed in at least one individual with a personal and/or family history that is consistent with APC-related disease (Ambry internal data). This nucleotide position is highly conserved in available vertebrate species. In silico splice site analysis predicts that this alteration will not have any significant effect on splicing; however, RNA studies have demonstrated that this alteration results in abnormal splicing in the set of samples tested (Ambry internal data). Based on the majority of available evidence to date, this variant is likely to be pathogenic.

Labcorp Genetics (formerly Invitae), Labcorp
Classification: Uncertain significance for Familial adenomatous polyposis 1. Last evaluated: 2022-10-25. Review status: criteria provided, single submitter. Criteria: Invitae Variant Classification Sherloc (09022015). Collection method: clinical testing. Allele origin: germline.
Comment: In summary, the available evidence is currently insufficient to determine the role of this variant in disease. Therefore, it has been classified as a Variant of Uncertain Significance. Variants that disrupt the consensus splice site are a relatively common cause of aberrant splicing (PMID: 17576681, 9536098). Algorithms developed to predict the effect of sequence changes on RNA splicing suggest that this variant is not likely to affect RNA splicing. This variant has not been reported in the literature in individuals affected with APC-related conditions. This variant is not present in population databases (gnomAD no frequency). This sequence change falls in intron 13 of the APC gene. It does not directly change the encoded amino acid sequence of the APC protein. It affects a nucleotide within the consensus splice site.

Literature cited by the submitters: PubMed 17576681 (cited by Labcorp Genetics (formerly Invitae), Labcorp); PubMed 9536098 (cited by Labcorp Genetics (formerly Invitae), Labcorp).

NM_000038.6(APC):c.1627-3C>A

Gene: APC (APC regulator of Wnt signaling pathway; plus strand). Cytogenetic location: 5q22.2.
Variant type: single nucleotide variant.
Coding change: c.1627-3C>A on transcript NM_000038.6 (MANE Select); 3 bases into the intron before coding-DNA position 1627, C replaced by A.
Molecular consequence: intron variant.
Genome position (GRCh38, 1-based): chr5:112,828,853, C>A. VCF-style: chr5-112828853-C-A. GRCh37 (hg19) VCF-style: chr5-112164550-C-A.
Other names: c.1627-3C>A (NM_000038.5, NM_001354895.2, NM_001127510.3); c.1657-3C>A (NM_001354897.2); c.1354-3C>A (NM_001354902.2); c.1573-3C>A (NM_001127511.3); c.1552-3C>A (NM_001354898.2); c.1249-3C>A (NM_001354904.2); c.778-3C>A (NM_001354906.2); c.1681-3C>A (NM_001354896.2); and 5 more.
Identifiers: ClinVar variation 2036793 (VCV002036793.6), dbSNP rs1554082079, ClinGen allele CA2580072444.